The following is an entry in ClinVar:

NM_175875.5(SIX5):c.2016C>T (p.Ser672=)

Gene: SIX5 (SIX homeobox 5; minus strand). Cytogenetic location: 19q13.32.
Variant type: single nucleotide variant.
Coding change: c.2016C>T on transcript NM_175875.5 (MANE Select); coding-DNA position 2016, C replaced by T.
Protein change: p.Ser672=; no amino-acid change (serine 672 retained).
Molecular consequence: synonymous variant.
Genome position (GRCh38, 1-based): chr19:45,765,705, G>A on the plus strand (C>T on the coding strand, the complement: SIX5 is on the minus strand). VCF-style: chr19-45765705-G-A. GRCh37 (hg19) VCF-style: chr19-46268963-G-A.
Identifiers: ClinVar variation 4977196 (VCV004977196.1).

ClinVar aggregate classification (germline): Likely benign (1 of 4 stars; one submission).

Conditions:
SIX5-related disorder. Also called: SIX5-related condition.

gnomAD v4.1: 78 of 1,612,838 alleles (0.0048%); highest among the groups gnomAD compares: South Asian, 0.048%; no homozygotes.

Submission:

PreventionGenetics, part of Exact Sciences
Classification: Likely benign for SIX5-related condition. Last evaluated: 2025-06-10. Review status: criteria provided, single submitter. Criteria: ACMG Guidelines, 2015. Collection method: clinical testing. Allele origin: germline.
Comment: This variant is classified as likely benign based on ACMG/AMP sequence variant interpretation guidelines (Richards et al. 2015 PMID: 25741868, with internal and published modifications).